The following is an entry in ClinVar:

NM_000059.4(BRCA2):c.2703del (p.Ala902fs)

Gene: BRCA2 (BRCA2 DNA repair associated; plus strand). Cytogenetic location: 13q13.1.
Variant type: Deletion.
Coding change: c.2703del on transcript NM_000059.4 (MANE Select); coding-DNA position 2703, one base deleted (T; older notation c.2703delT).
Protein change: p.Ala902fs; shifts the reading frame from alanine 902.
Molecular consequence: frameshift variant.
Genome position (GRCh38, 1-based): chr13:32,337,058, T deleted; the last of 2 consecutive T bases (chr13:32,337,057-32,337,058); deleting either gives the same sequence. VCF-style (leftmost placement, unchanged base first): chr13-32337056-CT-C. GRCh37 (hg19) VCF-style: chr13-32911193-CT-C.
Other names: 2931delT; short protein forms A902fs.
Identifiers: ClinVar variation 266714 (VCV000266714.5), dbSNP rs886040440, ClinGen allele CA10589167.

ClinVar aggregate classification (germline): Pathogenic. Review status: reviewed by expert panel (3 of 4 stars). 2 submissions from 2 submitters: Pathogenic (1). 1 of the submissions does not count toward it. Last evaluated 2016-10-18.

Conditions:
Breast-ovarian cancer, familial, susceptibility to, 2 (BROVCA2). Also called: BRCA2 Hereditary Breast and Ovarian Cancer. Identifiers: Orphanet 145, MedGen C2675520, MONDO:0012933, OMIM 612555. Disease mechanism: loss of function.

Submissions (2):

Evidence-based Network for the Interpretation of Germline Mutant Alleles (ENIGMA)
Classification: Pathogenic for Breast-ovarian cancer, familial, susceptibility to, 2. Last evaluated: 2016-10-18. Review status: reviewed by expert panel. Criteria: ENIGMA BRCA1/2 Classification Criteria (2015). Collection method: curation. Allele origin: germline.
Comment: Variant allele predicted to encode a truncated non-functional protein.

Consortium of Investigators of Modifiers of BRCA1/2 (CIMBA), c/o University of Cambridge
Classification: Pathogenic for Breast-ovarian cancer, familial, susceptibility to, 2. Last evaluated: 2015-10-02. Review status: criteria provided, single submitter. Criteria: CIMBA Mutation Classification guidelines May 2016. Collection method: clinical testing. Allele origin: germline. Not counted in ClinVar's aggregate classification.